The following is an entry in ClinVar:

ClinVar aggregate classification (germline): Uncertain significance (1 of 4 stars; one submission).

Conditions:
Left ventricular noncompaction 8 (LVNC8). Identifiers: Orphanet 154, Orphanet 54260, MedGen C3809288, MONDO:0014152, OMIM 615373.

Submission:

Labcorp Genetics (formerly Invitae), Labcorp
Classification: Uncertain significance for Left ventricular noncompaction 8. Last evaluated: 2025-02-13. Review status: criteria provided, single submitter. Criteria: Invitae Variant Classification Sherloc (09022015). Collection method: clinical testing. Allele origin: germline.
Comment: This sequence change replaces lysine, which is basic and polar, with glutamine, which is neutral and polar, at codon 648 of the PRDM16 protein (p.Lys648Gln). This variant is not present in population databases (gnomAD no frequency). This variant has not been reported in the literature in individuals affected with PRDM16-related conditions. An algorithm developed to predict the effect of missense changes on protein structure and function (PolyPhen-2) suggests that this variant is likely to be tolerated. In summary, the available evidence is currently insufficient to determine the role of this variant in disease. Therefore, it has been classified as a Variant of Uncertain Significance.

NM_022114.4(PRDM16):c.1942A>C (p.Lys648Gln)

Gene: PRDM16 (PR/SET domain 16; plus strand). Cytogenetic location: 1p36.32.
Variant type: single nucleotide variant.
Coding change: c.1942A>C on transcript NM_022114.4 (MANE Select); coding-DNA position 1942, A replaced by C.
Protein change: p.Lys648Gln; replaces lysine 648 with glutamine.
Molecular consequence: missense variant.
Genome position (GRCh38, 1-based): chr1:3,412,139, A>C. VCF-style: chr1-3412139-A-C. GRCh37 (hg19) VCF-style: chr1-3328703-A-C.
Other names: c.1942A>C, p.Lys648Gln (NM_199454.3); short protein forms K648Q.
Identifiers: ClinVar variation 4773379 (VCV004773379.1).